The following is an entry in ClinVar:

NM_004168.4(SDHA):c.1319A>G (p.Glu440Gly)

Gene: SDHA (succinate dehydrogenase complex flavoprotein subunit A; plus strand). Cytogenetic location: 5p15.33.
Variant type: single nucleotide variant.
Coding change: c.1319A>G on transcript NM_004168.4 (MANE Select); coding-DNA position 1319, A replaced by G.
Protein change: p.Glu440Gly; replaces glutamic acid 440 with glycine.
Molecular consequence: missense variant.
Genome position (GRCh38, 1-based): chr5:236,486, A>G. VCF-style: chr5-236486-A-G. GRCh37 (hg19) VCF-style: chr5-236601-A-G.
Other names: c.1175A>G, p.Glu392Gly (NM_001294332.2); c.1319A>G, p.Glu440Gly (NM_001330758.2); c.1319A>G (NM_004168.2); short protein forms E392G, E440G.
Identifiers: ClinVar variation 962221 (VCV000962221.12), dbSNP rs1735789704, ClinGen allele CA359013919.

ClinVar aggregate classification (germline): Uncertain significance. Review status: criteria provided, multiple submitters, no conflicts (2 of 4 stars). 2 submissions from 2 submitters: Uncertain significance (2). Last evaluated 2026-02-05.

Conditions:
Hereditary cancer-predisposing syndrome. Also called: Hereditary Cancer Syndrome; Neoplastic Syndromes, Hereditary; Tumor predisposition; Hereditary neoplastic syndrome. Identifiers: Orphanet 140162, MedGen C0027672, MeSH D009386, MONDO:0015356.
Mitochondrial complex II deficiency, nuclear type 1. Also called: SUCCINATE CoQ REDUCTASE DEFICIENCY. Identifiers: Orphanet 3208, MedGen C5700310, MONDO:0100294, OMIM 252011.
Pheochromocytoma/paraganglioma syndrome 5. Also called: Paragangliomas 5; SDHA-Related Hereditary Paraganglioma-Pheochromocytoma Syndrome. Identifiers: Orphanet 29072, MedGen C3279992, MONDO:0013602, OMIM 614165.

Submissions (2):

Ambry Genetics
Classification: Uncertain significance for Hereditary cancer-predisposing syndrome. Last evaluated: 2026-02-05. Review status: criteria provided, single submitter. Criteria: Ambry Variant Classification Scheme 2023. Collection method: clinical testing. Allele origin: germline.
Comment: The p.E440G variant (also known as c.1319A>G), located in coding exon 10 of the SDHA gene, results from an A to G substitution at nucleotide position 1319. The glutamic acid at codon 440 is replaced by glycine, an amino acid with similar properties. This amino acid position is highly conserved in available vertebrate species. In addition, this alteration is predicted to be deleterious by in silico analysis. Based on the available evidence, the clinical significance of this variant remains unclear.

Labcorp Genetics (formerly Invitae), Labcorp
Classification: Uncertain significance for Pheochromocytoma/paraganglioma syndrome 5; Mitochondrial complex II deficiency, nuclear type 1. Last evaluated: 2024-11-17. Review status: criteria provided, single submitter. Criteria: Invitae Variant Classification Sherloc (09022015). Collection method: clinical testing. Allele origin: germline.
Comment: This sequence change replaces glutamic acid, which is acidic and polar, with glycine, which is neutral and non-polar, at codon 440 of the SDHA protein (p.Glu440Gly). This variant is not present in population databases (gnomAD no frequency). This variant has not been reported in the literature in individuals affected with SDHA-related conditions. ClinVar contains an entry for this variant (Variation ID: 962221). Invitae Evidence Modeling of protein sequence and biophysical properties (such as structural, functional, and spatial information, amino acid conservation, physicochemical variation, residue mobility, and thermodynamic stability) has been performed for this missense variant. However, the output from this modeling did not meet the statistical confidence thresholds required to predict the impact of this variant on SDHA protein function. In summary, the available evidence is currently insufficient to determine the role of this variant in disease. Therefore, it has been classified as a Variant of Uncertain Significance.